The following is an entry in ClinVar:

ClinVar aggregate classification (germline): Benign/Likely benign. Review status: criteria provided, multiple submitters, no conflicts (2 of 4 stars). 5 submissions from 5 submitters: Benign (1); Likely benign (4). Last evaluated 2026-07-10.

Conditions:
Hereditary cancer-predisposing syndrome. Also called: Hereditary Cancer Syndrome; Hereditary neoplastic syndrome; Neoplastic Syndromes, Hereditary; Tumor predisposition. Identifiers: Orphanet 140162, MedGen C0027672, MeSH D009386, MONDO:0015356.
Rhabdoid tumor predisposition syndrome 2 (RTPS2). Identifiers: Orphanet 231108, Orphanet 69077, MedGen C2750074, MONDO:0013224, OMIM 613325.

Allele frequency attached by ClinVar (database versions not stated): gnomAD exomes below 0.00001 and 0.00001; gnomAD 0.00001; TOPMed 0.00001.
gnomAD v4.1: 3 of 1,614,048 alleles (0.00019%); highest among the groups gnomAD compares: Admixed American, 0.005%; no homozygotes.

Submissions (5):

Myriad Genetics, Inc.
Classification: Benign for Rhabdoid tumor predisposition syndrome 2. Last evaluated: 2026-07-10. Review status: criteria provided, single submitter. Criteria: Myriad Autosomal Dominant, Autosomal Recessive and X-Linked Classification Criteria (2023). Collection method: clinical testing. Allele origin: unknown.
Comment: This variant is considered benign. This variant is a silent/synonymous amino acid change and it is not expected to impact splicing.

Labcorp Genetics (formerly Invitae), Labcorp
Classification: Likely benign for Rhabdoid tumor predisposition syndrome 2. Last evaluated: 2026-01-20. Review status: criteria provided, single submitter. Criteria: Invitae Variant Classification Sherloc (09022015). Collection method: clinical testing. Allele origin: germline.

Blueprint Genetics
Classification: Likely benign. Last evaluated: 2022-12-12. Review status: criteria provided, single submitter. Criteria: ACMG Guidelines, 2015. Collection method: clinical testing. Allele origin: germline.

Sema4
Classification: Likely benign for Hereditary cancer-predisposing syndrome. Last evaluated: 2021-11-14. Review status: criteria provided, single submitter. Criteria: Sema4 Curation Guidelines. Collection method: curation. Allele origin: germline.

Ambry Genetics
Classification: Likely benign for Hereditary cancer-predisposing syndrome. Last evaluated: 2017-09-22. Review status: criteria provided, single submitter. Criteria: Ambry Variant Classification Scheme 2023. Collection method: clinical testing. Allele origin: germline.

NM_003072.5(SMARCA4):c.1500G>A (p.Leu500=)

Gene: SMARCA4 (SWI/SNF related BAF chromatin remodeling complex subunit ATPase 4; plus strand). Cytogenetic location: 19p13.2.
Variant type: single nucleotide variant.
Coding change: c.1500G>A on transcript NM_003072.5 (MANE Select); coding-DNA position 1500, G replaced by A.
Protein change: p.Leu500=; no amino-acid change (leucine 500 retained).
Molecular consequence: synonymous variant. On other transcripts: non-coding transcript variant (1).
Genome position (GRCh38, 1-based): chr19:10,994,908, G>A. VCF-style: chr19-10994908-G-A. GRCh37 (hg19) VCF-style: chr19-11105584-G-A.
Other names: c.1500G>A, p.Leu500= (NM_001128844.3, NM_001128845.2, NM_001128846.2 and 5 more transcripts).
Identifiers: ClinVar variation 415050 (VCV000415050.16), dbSNP rs1060504432, ClinGen allele CA16615899.
Genomic context (GRCh38, chr19:10,994,908, plus strand): 5'-CCAGCATGCCAAGGATTTCAAGGAATATCACAGATCCGTCACAGGCAAAATCCAGAAGCT[G>A]ACCAAGGCAGTGGCCACGTACCATGCCAACACGGAGCGGGAGCAGAAGAAAGAGAACGAG-3'
Protein context (NP_003063.2, residues 490-510): HRSVTGKIQK[Leu500=]TKAVATYHAN